The following is an entry in ClinVar:

NM_004928.3(CFAP410):c.96+2dup

Gene: CFAP410 (cilia and flagella associated protein 410; minus strand). Cytogenetic location: 21q22.3.
Variant type: Duplication.
Coding change: c.96+2dup on transcript NM_004928.3 (MANE Select); the canonical splice donor site of the intron after coding-DNA position 96, one base duplicated (T; older notation c.96+2dupT).
Molecular consequence: splice donor variant.
Genome position (GRCh38, 1-based): chr21:44,337,647, A duplicated on the plus strand (T on the coding strand, the reverse complement: CFAP410 is on the minus strand). VCF-style (leftmost placement, unchanged base first): chr21-44337646-T-TA. GRCh37 (hg19) VCF-style: chr21-45757529-T-TA.
Other names: c.96+2dup (NM_001271440.2, NM_001271441.2); c.-116+2dup (NM_001271442.1).
Identifiers: ClinVar variation 1355357 (VCV001355357.6), dbSNP rs1359124989, ClinGen allele CA749667929.

ClinVar aggregate classification (germline): Uncertain significance (1 of 4 stars; one submission).

Allele frequency attached by ClinVar (database versions not stated): gnomAD exomes below 0.00001; gnomAD 0.00001; TOPMed 0.00001.

Submission:

Labcorp Genetics (formerly Invitae), Labcorp
Classification: Uncertain significance. Last evaluated: 2022-03-10. Review status: criteria provided, single submitter. Criteria: Invitae Variant Classification Sherloc (09022015). Collection method: clinical testing. Allele origin: germline.
Comment: This variant is not present in population databases (gnomAD no frequency). This sequence change falls in intron 2 of the CFAP410 gene. It does not directly change the encoded amino acid sequence of the CFAP410 protein. It affects a nucleotide within the consensus splice site. This variant has not been reported in the literature in individuals affected with CFAP410-related conditions. In summary, the available evidence is currently insufficient to determine the role of this variant in disease. Therefore, it has been classified as a Variant of Uncertain Significance. Variants that disrupt the consensus splice site are a relatively common cause of aberrant splicing (PMID: 17576681, 9536098). Algorithms developed to predict the effect of sequence changes on RNA splicing suggest that this variant may disrupt the consensus splice site.

Literature cited by the submitters: PubMed 17576681; PubMed 9536098.